The following is an entry in ClinVar:

NM_001114633.2(PLA2G4B):c.459C>T (p.His153=)

Genes: JMJD7-PLA2G4B (JMJD7-PLA2G4B readthrough; plus strand), PLA2G4B (phospholipase A2 group IVB; plus strand). Cytogenetic location: 15q15.1.
Variant type: single nucleotide variant.
Coding change: c.459C>T on transcript NM_001114633.2 (MANE Select); coding-DNA position 459, C replaced by T.
Protein change: p.His153=; no amino-acid change (histidine 153 retained).
Molecular consequence: synonymous variant.
Genome position (GRCh38, 1-based): chr15:41,841,540, C>T. VCF-style: chr15-41841540-C-T. GRCh37 (hg19) VCF-style: chr15-42133738-C-T.
Other names: c.1152C>T, p.His384= (NM_001198588.2, NM_005090.4).
Identifiers: ClinVar variation 3048223 (VCV003048223.2), dbSNP rs201609914, ClinGen allele CA7499646.

ClinVar aggregate classification (germline): Benign (0 of 4 stars; one submission).

Conditions:
PLA2G4B-related disorder. Also called: PLA2G4B-related condition.

Allele frequency attached by ClinVar (database versions not stated): TOPMed 0.00012; ESP Exome Variant Server 0.00023; 1000 Genomes Project 30x 0.00047; gnomAD exomes 0.00052; 1000 Genomes Project 0.00060; ExAC 0.00090; gnomAD 0.00106.
gnomAD v4.1: 898 of 1,614,078 alleles (0.056%); highest among the groups gnomAD compares: Non-Finnish European, 0.016%; 5 homozygotes.

Submission:

PreventionGenetics, part of Exact Sciences
Classification: Benign for PLA2G4B-related condition. Last evaluated: 2019-11-25. Review status: no assertion criteria provided. Collection method: clinical testing. Allele origin: germline.
Comment: This variant is classified as benign based on ACMG/AMP sequence variant interpretation guidelines (Richards et al. 2015 PMID: 25741868, with internal and published modifications).